The following is an entry in ClinVar:

ClinVar aggregate classification (germline): Likely pathogenic (1 of 4 stars; one submission).

Conditions:
Wiedemann-Steiner syndrome (WDSTS). Also called: Growth deficiency and mental retardation with facial dysmorphism. Identifiers: Orphanet 319182, MedGen C1854630, MONDO:0011518, OMIM 605130.

Submission:

Rady Children's Institute for Genomic Medicine, Rady Children's Hospital San Diego
Classification: Likely pathogenic for WIEDEMANN-STEINER SYNDROME. Last evaluated: 2024-05-15. Review status: criteria provided, single submitter. Criteria: ACMG Guidelines, 2015. Collection method: clinical testing. Allele origin: germline. Affected: yes.
Comment: This frameshifting variant in exon 26 of 36 is predicted to result in loss of normal protein function through either protein truncation or nonsense-mediated mRNA decay. The KMT2A gene is constrained against variation (Z-score= 8.79 and pLI = 1), and loss-of-function variants have been reported in individuals with disease (HGMD, ClinVar database; PMID: 29203834). This variant has not been previously reported or functionally characterized in the literature to our knowledge. The c.6469_6470del (p.Gln2157GlufsTer20) variant is absent from the gnomAD v4 population database and thus is presumed to be rare. Analysis of the parental samples was negative for the variant, indicating this variant likely occurred as a de novo event. Based on the available evidence, c.6469_6470del (p.Gln2157GlufsTer20) is classified as Likely Pathogenic.

NM_001197104.2(KMT2A):c.6469_6470del (p.Gln2157fs)

Gene: KMT2A (lysine methyltransferase 2A; plus strand). Cytogenetic location: 11q23.3.
Variant type: Microsatellite.
Coding change: c.6469_6470del on transcript NM_001197104.2 (MANE Select); coding-DNA positions 6469 to 6470, 2 bases deleted (CA; older notation c.6469_6470delCA).
Protein change: p.Gln2157fs; shifts the reading frame from glutamine 2157.
Molecular consequence: frameshift variant.
Genome position (GRCh38, 1-based): chr11:118,501,821-118,501,822, CA deleted; deleting any 2 consecutive bases within chr11:118,501,818-118,501,822 gives the same sequence; the c. name uses the placement nearest the transcript's 3' end. VCF-style (leftmost placement, unchanged base first): chr11-118501817-AAC-A. GRCh37 (hg19) VCF-style: chr11-118372532-AAC-A.
Other names: c.6469_6470del (NM_001197104.1); c.6467_6468CA[1], p.Gln2157Glufs (NM_001197104.1); c.6559_6560del, p.Gln2187fs (NM_001412597.1); c.6460_6461del, p.Gln2154fs (NM_005933.4); short protein forms Q2154fs, Q2157fs, Q2187fs.
Identifiers: ClinVar variation 3773826 (VCV003773826.1).